The following is an entry in ClinVar:

NM_001329943.3(KIAA0586):c.3786A>G (p.Leu1262=)

Gene: KIAA0586 (KIAA0586; plus strand). Cytogenetic location: 14q23.1.
Variant type: single nucleotide variant.
Coding change: c.3786A>G on transcript NM_001329943.3 (MANE Select); coding-DNA position 3786, A replaced by G.
Protein change: p.Leu1262=; no amino-acid change (leucine 1262 retained).
Molecular consequence: synonymous variant.
Genome position (GRCh38, 1-based): chr14:58,490,168, A>G. VCF-style: chr14-58490168-A-G. GRCh37 (hg19) VCF-style: chr14-58956886-A-G.
Other names: c.3945A>G, p.Leu1315= (NM_001244189.2); c.3741A>G, p.Leu1247= (NM_001244190.2); c.3531A>G, p.Leu1177= (NM_001244191.2, NM_001329945.2, NM_001364700.1 and 1 more transcripts); c.3654A>G, p.Leu1218= (NM_001244192.2); c.3366A>G, p.Leu1122= (NM_001244193.2); c.3786A>G, p.Leu1262= (NM_001329944.2, NM_001329946.2, NM_001329947.2); c.3558A>G, p.Leu1186= (NM_014749.5); c.3945A>G (NM_001244189.1).
Identifiers: ClinVar variation 2928224 (VCV002928224.5), dbSNP rs374590484, ClinGen allele CA7206262.
Genomic context (GRCh38, chr14:58,490,168, plus strand): 5'-ATTTACTAAGTTTGTGTTTCTTTTTTTTTTCTAAACTTTTATATTTTAATTTCTAGTTTT[A>G]GAAGATATAGGACTGTACCTGACAAACCTTAATGATAGCTTATCCAGCACTCTGCATGAT-3'
Protein context (NP_001316872.1, residues 1252-1272): SCGQKLAPKI[Leu1262=]EDIGLYLTNL

ClinVar aggregate classification (germline): Likely benign. Review status: criteria provided, single submitter (1 of 4 stars). 2 submissions from 2 submitters: Likely benign (1). 1 of the submissions does not count toward it. Last evaluated 2025-10-29.

Conditions:
KIAA0586-related disorder. Also called: KIAA0586-related condition; KIAA0586- Related disorders.
Joubert syndrome 23 (JBTS23). Identifiers: Orphanet 475, MedGen C4084822, MONDO:0014664, OMIM 616490.
Short-rib thoracic dysplasia 14 with polydactyly (SRTD14). Identifiers: Orphanet 397715, MedGen C4225286, MONDO:0014688, OMIM 616546.

Allele frequency attached by ClinVar (database versions not stated): gnomAD exomes 0.00003.
gnomAD v4.1: 33 of 1,374,992 alleles (0.0024%); highest among the groups gnomAD compares: Non-Finnish European, 0.00039%; no homozygotes.

Submissions (2):

Labcorp Genetics (formerly Invitae), Labcorp
Classification: Likely benign for Joubert syndrome 23; Short-rib thoracic dysplasia 14 with polydactyly. Last evaluated: 2025-10-29. Review status: criteria provided, single submitter. Criteria: Invitae Variant Classification Sherloc (09022015). Collection method: clinical testing. Allele origin: germline.

PreventionGenetics, part of Exact Sciences
Classification: Likely benign for KIAA0586-related condition. Last evaluated: 2019-09-04. Review status: no assertion criteria provided. Collection method: clinical testing. Allele origin: germline. Not counted in ClinVar's aggregate classification.
Comment: This variant is classified as likely benign based on ACMG/AMP sequence variant interpretation guidelines (Richards et al. 2015 PMID: 25741868, with internal and published modifications).